The following is an entry in ClinVar:

NM_005334.3(HCFC1):c.3963A>G (p.Pro1321=)

Gene: HCFC1 (host cell factor C1; minus strand). Cytogenetic location: Xq28.
Variant type: single nucleotide variant.
Coding change: c.3963A>G on transcript NM_005334.3 (MANE Select); coding-DNA position 3963, A replaced by G.
Protein change: p.Pro1321=; no amino-acid change (proline 1321 retained).
Molecular consequence: synonymous variant.
Genome position (GRCh38, 1-based): chrX:153,954,436, T>C on the plus strand (A>G on the coding strand, the complement: HCFC1 is on the minus strand). VCF-style: chrX-153954436-T-C. GRCh37 (hg19) VCF-style: chrX-153219887-T-C.
Identifiers: ClinVar variation 518193 (VCV000518193.43), dbSNP rs377467572, ClinGen allele CA10557102.

ClinVar aggregate classification (germline): Benign/Likely benign. Review status: criteria provided, multiple submitters, no conflicts (2 of 4 stars). 4 submissions from 4 submitters: Benign (2); Likely benign (2). Last evaluated 2026-01-26.

Conditions:
Methylmalonic acidemia with homocystinuria, type cblX (MAHCX). Also called: INTELLECTUAL DEVELOPMENTAL DISORDER, X-LINKED 3. Identifiers: Orphanet 369962, MedGen C0796208, MONDO:0010657, OMIM 309541.

Allele frequency attached by ClinVar (database versions not stated): gnomAD 0.00029 and 0.00031; gnomAD exomes 0.00030 and 0.00026; ExAC 0.00035; ESP Exome Variant Server 0.00048; 1000 Genomes Project 30x 0.00021; TOPMed 0.00022; 1000 Genomes Project 0.00026.
gnomAD v4.1: 355 of 1,204,474 alleles (0.029%); highest among the groups gnomAD compares: Non-Finnish European, 0.036%; no homozygotes.

Submissions (4):

Labcorp Genetics (formerly Invitae), Labcorp
Classification: Benign for Methylmalonic acidemia with homocystinuria, type cblX. Last evaluated: 2026-01-26. Review status: criteria provided, single submitter. Criteria: Invitae Variant Classification Sherloc (09022015). Collection method: clinical testing. Allele origin: germline.

CeGaT Center for Human Genetics Tuebingen
Classification: Likely benign. Last evaluated: 2022-05-01. Review status: criteria provided, single submitter. Criteria: CeGaT Center For Human Genetics Tuebingen Variant Classification Criteria Version 2. Collection method: clinical testing. Allele origin: germline. Affected: yes. Observed: 1 variant allele.
Comment: HCFC1: BP4, BP7

Genetic Services Laboratory, University of Chicago
Classification: Benign. Last evaluated: 2017-12-12. Review status: criteria provided, single submitter. Criteria: ACMG Guidelines, 2015. Collection method: clinical testing. Allele origin: germline. Affected: no.

GeneDx
Classification: Likely benign. Last evaluated: 2017-06-27. Review status: criteria provided, single submitter. Criteria: GeneDx Variant Classification (06012015). Collection method: clinical testing. Allele origin: germline. Affected: yes.
Comment: This variant is considered likely benign or benign based on one or more of the following criteria: it is a conservative change, it occurs at a poorly conserved position in the protein, it is predicted to be benign by multiple in silico algorithms, and/or has population frequency not consistent with disease.